The following is an entry in ClinVar:

ClinVar aggregate classification (germline): Uncertain significance (1 of 4 stars; one submission).

Conditions:
Dyskeratosis congenita. Identifiers: Orphanet 1775, MedGen C0265965, MONDO:0015780.

Allele frequency attached by ClinVar (database versions not stated): gnomAD 0.00001.
gnomAD v4.1: 1 of 1,613,832 alleles (0.000062%); highest among the groups gnomAD compares: African/African-American, 0.0013%; no homozygotes.

Submission:

Ambry Genetics
Classification: Uncertain significance for Dyskeratosis congenita. Last evaluated: 2023-12-16. Review status: criteria provided, single submitter. Criteria: Ambry Variant Classification Scheme 2023. Collection method: clinical testing. Allele origin: germline.
Comment: The p.A1049P variant (also known as c.3145G>C), located in coding exon 14 of the TERT gene, results from a G to C substitution at nucleotide position 3145. The alanine at codon 1049 is replaced by proline, an amino acid with highly similar properties. This amino acid position is conserved. In addition, this alteration is predicted to be deleterious by in silico analysis. Since supporting evidence is limited at this time, the clinical significance of this alteration remains unclear.

NM_198253.3(TERT):c.3145G>C (p.Ala1049Pro)

Gene: TERT (telomerase reverse transcriptase; minus strand). Cytogenetic location: 5p15.33.
Variant type: single nucleotide variant.
Coding change: c.3145G>C on transcript NM_198253.3 (MANE Select); coding-DNA position 3145, G replaced by C.
Protein change: p.Ala1049Pro; replaces alanine 1049 with proline.
Molecular consequence: missense variant. On other transcripts: non-coding transcript variant (2).
Genome position (GRCh38, 1-based): chr5:1,255,299, C>G on the plus strand (G>C on the coding strand, the complement: TERT is on the minus strand). VCF-style: chr5-1255299-C-G. GRCh37 (hg19) VCF-style: chr5-1255414-C-G.
Other names: c.2956G>C, p.Ala986Pro (NM_001193376.3); c.3145G>C, p.Ala1049Pro (NM_003219.1); short protein forms A1049P, A986P.
Identifiers: ClinVar variation 3238597 (VCV003238597.1), dbSNP rs1747637307.
Genomic context (GRCh38, chr5:1,255,299, plus strand): 5'-ACCAGCAGGCAGGCACTGCTGCCACTGAGGCCAGGCACCTGCACATACCTGCGTTCTTGG[C>G]TTTCAGGATGGAGTAGCAGAGGGAGGCCGTGTCAGAGATGACGCGCAGGAAAAATGTGGG-3'
Protein context (NP_937983.2, residues 1039-1059): TASLCYSILK[Ala1049Pro]KNAGMSLGAK